The following is an entry in ClinVar:

ClinVar aggregate classification (germline): Conflicting classifications of pathogenicity. Review status: criteria provided, conflicting classifications (1 of 4 stars). 5 submissions from 5 submitters: Uncertain significance (1); Benign (1); Likely benign (3). Last evaluated 2026-05-18.

Conditions:
Cardiovascular phenotype. Identifiers: MedGen CN230736.
Hereditary cancer-predisposing syndrome. Also called: Tumor predisposition; Hereditary Cancer Syndrome; Hereditary neoplastic syndrome; Neoplastic Syndromes, Hereditary. Identifiers: Orphanet 140162, MedGen C0027672, MeSH D009386, MONDO:0015356.
Neurofibromatosis, type 1 (NF1). Also called: NEUROFIBROMATOSIS, TYPE I, SOMATIC; Peripheral type neurofibromatosis; VON RECKLINGHAUSEN DISEASE; Neurofibromatosis, type I. Identifiers: Orphanet 636, MedGen C0027831, MONDO:0018975, OMIM 162200. Disease mechanism: loss of function.

Allele frequency attached by ClinVar (database versions not stated): TOPMed below 0.00001; gnomAD 0.00001.

Submissions (5):

Myriad Genetics, Inc.
Classification: Benign for Neurofibromatosis, type 1. Last evaluated: 2026-05-18. Review status: criteria provided, single submitter. Criteria: Myriad Autosomal Dominant, Autosomal Recessive and X-Linked Classification Criteria (2023). Collection method: clinical testing. Allele origin: unknown.
Comment: This variant is considered benign. This variant is a silent/synonymous amino acid change and it is not expected to impact splicing.

Labcorp Genetics (formerly Invitae), Labcorp
Classification: Likely benign for Neurofibromatosis, type 1. Last evaluated: 2025-07-30. Review status: criteria provided, single submitter. Criteria: Invitae Variant Classification Sherloc (09022015). Collection method: clinical testing. Allele origin: germline.

Quest Diagnostics Nichols Institute San Juan Capistrano
Classification: Uncertain significance. Last evaluated: 2025-03-26. Review status: criteria provided, single submitter. Criteria: Quest Diagnostics criteria. Collection method: clinical testing. Allele origin: unknown.

Genome-Nilou Lab
Classification: Likely benign for Neurofibromatosis, type 1. Last evaluated: 2022-03-15. Review status: criteria provided, single submitter. Criteria: ACMG Guidelines, 2015. Collection method: clinical testing. Allele origin: germline. Affected: no.

Ambry Genetics
Classification: Likely benign for Cardiovascular phenotype; Hereditary cancer-predisposing syndrome. Last evaluated: 2018-12-24. Review status: criteria provided, single submitter. Criteria: Ambry Variant Classification Scheme 2023. Collection method: clinical testing. Allele origin: germline.

NM_001042492.3(NF1):c.2880T>C (p.Phe960=)

Gene: NF1 (neurofibromin 1; plus strand). Cytogenetic location: 17q11.2.
Variant type: single nucleotide variant.
Coding change: c.2880T>C on transcript NM_001042492.3 (MANE Select); coding-DNA position 2880, T replaced by C.
Protein change: p.Phe960=; no amino-acid change (phenylalanine 960 retained).
Molecular consequence: synonymous variant.
Genome position (GRCh38, 1-based): chr17:31,229,864, T>C. VCF-style: chr17-31229864-T-C. GRCh37 (hg19) VCF-style: chr17-29556882-T-C.
Other names: c.2880T>C, p.Phe960= (NM_000267.4).
Identifiers: ClinVar variation 762212 (VCV000762212.16), dbSNP rs1377177645, ClinGen allele CA499229950.